The following is an entry in ClinVar:

ClinVar aggregate classification (germline): Uncertain significance (1 of 4 stars; one submission).

Submission:

Women's Health and Genetics/Laboratory Corporation of America, LabCorp
Classification: Uncertain significance. Last evaluated: 2025-12-11. Review status: criteria provided, single submitter. Criteria: LabCorp Variant Classification Summary - May 2015. Collection method: clinical testing. Allele origin: germline.
Comment: Variant summary: NDUFS7 c.7G>C (p.Val3Leu) results in a conservative amino acid change in the encoded protein sequence. Algorithms developed to predict the effect of missense changes on protein structure and function all suggest that this variant is likely to be tolerated. The variant was absent in 189010 control chromosomes. The available data on variant occurrences in the general population are insufficient to allow any conclusion about variant significance. To our knowledge, no occurrence of c.7G>C in individuals affected with NDUFS7-related conditions and no experimental evidence demonstrating its impact on protein function have been reported. No submitters have cited clinical-significance assessments for this variant to ClinVar. Based on the evidence outlined above, the variant was classified as uncertain significance.

NM_024407.5(NDUFS7):c.7G>C (p.Val3Leu)

Gene: NDUFS7 (NADH:ubiquinone oxidoreductase core subunit S7; plus strand). Cytogenetic location: 19p13.3.
Variant type: single nucleotide variant.
Coding change: c.7G>C on transcript NM_024407.5 (MANE Select); coding-DNA position 7, G replaced by C.
Protein change: p.Val3Leu; replaces valine 3 with leucine.
Molecular consequence: missense variant.
Genome position (GRCh38, 1-based): chr19:1,383,933, G>C. VCF-style: chr19-1383933-G-C. GRCh37 (hg19) VCF-style: chr19-1383932-G-C.
Other names: c.7G>C, p.Val3Leu (NM_001363602.2); short protein forms V3L.
Identifiers: ClinVar variation 4688373 (VCV004688373.1).